The following is an entry in ClinVar:

NM_007294.4(BRCA1):c.2923C>T (p.Gln975Ter)

Gene: BRCA1 (BRCA1 DNA repair associated; minus strand). Cytogenetic location: 17q21.31.
Variant type: single nucleotide variant.
Coding change: c.2923C>T on transcript NM_007294.4 (MANE Select); coding-DNA position 2923, C replaced by T.
Protein change: p.Gln975Ter; replaces glutamine 975 with a stop codon.
Molecular consequence: nonsense. On other transcripts: intron variant (137).
Genome position (GRCh38, 1-based): chr17:43,092,608, G>A on the plus strand (C>T on the coding strand, the complement: BRCA1 is on the minus strand). VCF-style: chr17-43092608-G-A. GRCh37 (hg19) VCF-style: chr17-41244625-G-A.
Other names: c.2710C>T, p.Gln904Ter (NM_001407571.1, NM_001407853.1, NM_001407894.1 and 9 more transcripts); c.2923C>T, p.Gln975Ter (NM_001407581.1, NM_001407582.1, NM_001407583.1 and 30 more transcripts); c.2920C>T, p.Gln974Ter (NM_001407587.1, NM_001407590.1, NM_001407591.1 and 22 more transcripts); c.2914C>T, p.Gln972Ter (NM_001407646.1, NM_001407647.1); c.2800C>T, p.Gln934Ter (NM_001407648.1, NM_001407664.1, NM_001407665.1 and 19 more transcripts); c.2797C>T, p.Gln933Ter (NM_001407649.1, NM_001407670.1, NM_001407671.1 and 11 more transcripts); c.2845C>T, p.Gln949Ter (NM_001407653.1, NM_001407654.1, NM_001407655.1 and 4 more transcripts); c.2842C>T, p.Gln948Ter (NM_001407659.1, NM_001407660.1, NM_001407661.1 and 1 more transcripts); and 41 more; short protein forms Q975*, Q928*, Q807*, Q887*, Q949*, Q974*, Q886*, Q904*.
Identifiers: ClinVar variation 54722 (VCV000054722.22), dbSNP rs80357497, ClinGen allele CA001911.

ClinVar aggregate classification (germline): Pathogenic. Review status: reviewed by expert panel (3 of 4 stars). 8 submissions from 8 submitters: Pathogenic (1). 7 of the submissions do not count toward it. Last evaluated 2016-09-08.

Conditions:
Hereditary cancer-predisposing syndrome. Also called: Tumor predisposition; Neoplastic Syndromes, Hereditary; Hereditary Cancer Syndrome; Hereditary neoplastic syndrome. Identifiers: Orphanet 140162, MedGen C0027672, MeSH D009386, MONDO:0015356.
Hereditary breast ovarian cancer syndrome. Also called: Hereditary breast and ovarian cancer syndrome (HBOC); Hereditary breast and ovarian cancer syndrome; Hereditary breast and ovarian cancer; Hereditary breast and/or ovarian cancer syndrome; Breast and ovarian cancer; BRCA1- and BRCA2-Associated Hereditary Breast and Ovarian Cancer. Identifiers: Orphanet 145, MedGen C0677776, MeSH D061325, MONDO:0003582. Disease mechanism: loss of function.
Breast-ovarian cancer, familial, susceptibility to, 1 (BROVCA1). Also called: OVARIAN CANCER, SUSCEPTIBILITY TO; BRCA1 Hereditary Breast and Ovarian Cancer. Identifiers: Orphanet 145, MedGen C2676676, MONDO:0011450, OMIM 604370. Disease mechanism: loss of function.

Submissions (8):

Evidence-based Network for the Interpretation of Germline Mutant Alleles (ENIGMA)
Classification: Pathogenic for Breast-ovarian cancer, familial, susceptibility to, 1. Last evaluated: 2016-09-08. Review status: reviewed by expert panel. Criteria: ENIGMA BRCA1/2 Classification Criteria (2015). Collection method: curation. Allele origin: germline.
Comment: Variant allele predicted to encode a truncated non-functional protein.

Ambry Genetics
Classification: Pathogenic for Hereditary cancer-predisposing syndrome. Last evaluated: 2025-05-20. Review status: criteria provided, single submitter. Criteria: Ambry Variant Classification Scheme 2023. Collection method: clinical testing. Allele origin: germline. Not counted in ClinVar's aggregate classification.
Comment: The p.Q975* pathogenic mutation (also known as c.2923C>T), located in coding exon 9 of the BRCA1 gene, results from a C to T substitution at nucleotide position 2923. This changes the amino acid from a glutamine to a stop codon within coding exon 9. This mutation (designated as 3042C>T, Gln975Stop) has been detected in a German breast/ovarian cancer kindred (Balz V et al. Cancer Genet. Cytogenet., 2002 Oct;138:120-7). This variant is considered to be rare based on population cohorts in the Genome Aggregation Database (gnomAD). In addition to the clinical data presented in the literature, this alteration is expected to result in loss of function by premature protein truncation or nonsense-mediated mRNA decay. As such, this alteration is interpreted as a disease-causing mutation.

Labcorp Genetics (formerly Invitae), Labcorp
Classification: Pathogenic for Hereditary breast ovarian cancer syndrome. Last evaluated: 2023-12-06. Review status: criteria provided, single submitter. Criteria: Invitae Variant Classification Sherloc (09022015). Collection method: clinical testing. Allele origin: germline. Not counted in ClinVar's aggregate classification.
Comment: This sequence change creates a premature translational stop signal (p.Gln975*) in the BRCA1 gene. It is expected to result in an absent or disrupted protein product. Loss-of-function variants in BRCA1 are known to be pathogenic (PMID: 20104584). This variant is not present in population databases (gnomAD no frequency). This premature translational stop signal has been observed in individual(s) with hereditary breast and ovarian cancer (PMID: 12505256). This variant is also known as 3042C>T. ClinVar contains an entry for this variant (Variation ID: 54722). For these reasons, this variant has been classified as Pathogenic.

Baylor Genetics
Classification: Pathogenic for Breast-ovarian cancer, familial, susceptibility to, 1. Last evaluated: 2023-03-23. Review status: criteria provided, single submitter. Criteria: ACMG Guidelines, 2015. Collection method: clinical testing. Allele origin: unknown. Not counted in ClinVar's aggregate classification.

GeneDx
Classification: Pathogenic. Last evaluated: 2016-11-30. Review status: criteria provided, single submitter. Criteria: GeneDx Variant Classification (06012015). Collection method: clinical testing. Allele origin: germline. Affected: yes. Not counted in ClinVar's aggregate classification.
Comment: This variant is denoted BRCA1 c.2923C>T at the cDNA level and p.Gln975Ter (Q975X) at the protein level. Using alternate nomenclature, this variant has been published as BRCA1 3042C>T. The substitution creates a nonsense variant, which changes a Glutamine to a premature stop codon (CAA>TAA), and is predicted to cause loss of normal protein function through either protein truncation or nonsense-mediated mRNA decay. This variant has been reported in at least one family with hereditary breast and ovarian cancer (Balz 2002) and is considered pathogenic.

Consortium of Investigators of Modifiers of BRCA1/2 (CIMBA), c/o University of Cambridge
Classification: Pathogenic for Breast-ovarian cancer, familial, susceptibility to, 1. Last evaluated: 2015-10-02. Review status: criteria provided, single submitter. Criteria: CIMBA Mutation Classification guidelines May 2016. Collection method: clinical testing. Allele origin: germline. Not counted in ClinVar's aggregate classification.

Quest Diagnostics Nichols Institute San Juan Capistrano
Classification: Pathogenic for Breast-ovarian cancer, familial, susceptibility to, 1. Last evaluated: 2015-08-04. Review status: criteria provided, single submitter. Criteria: Quest Diagnostics criteria. Collection method: clinical testing. Allele origin: germline. Inheritance: Autosomal dominant inheritance. Not counted in ClinVar's aggregate classification.

Breast Cancer Information Core (BIC) (BRCA1)
Classification: Pathogenic for Breast-ovarian cancer, familial 1. Last evaluated: 1999-04-06. Review status: no assertion criteria provided. Collection method: clinical testing. Allele origin: germline. Affected: yes. Observed: 2 variant alleles. Not counted in ClinVar's aggregate classification.

Literature cited by the submitters: PubMed 12505256 (cited by 3 submitters); PubMed 20104584 (cited by Labcorp Genetics (formerly Invitae), Labcorp); PubMed 26295337 (cited by Quest Diagnostics Nichols Institute San Juan Capistrano).